The following is an entry in ClinVar:

ClinVar aggregate classification (germline): Uncertain significance (1 of 4 stars; one submission).

Conditions:
Baller-Gerold syndrome (BGS). Also called: CRANIOSYNOSTOSIS WITH RADIAL DEFECTS. Identifiers: Orphanet 1225, MedGen C0265308, MONDO:0009039, OMIM 218600.

Allele frequency attached by ClinVar (database versions not stated): gnomAD exomes below 0.00001; ExAC 0.00001; TOPMed 0.00001.
gnomAD v4.1: 5 of 1,602,560 alleles (0.00031%); highest among the groups gnomAD compares: East Asian, 0.0022%; no homozygotes.

Submission:

Labcorp Genetics (formerly Invitae), Labcorp
Classification: Uncertain significance for Baller-Gerold syndrome. Last evaluated: 2025-03-04. Review status: criteria provided, single submitter. Criteria: Invitae Variant Classification Sherloc (09022015). Collection method: clinical testing. Allele origin: germline.
Comment: This sequence change replaces leucine, which is neutral and non-polar, with proline, which is neutral and non-polar, at codon 787 of the RECQL4 protein (p.Leu787Pro). This variant is present in population databases (rs760041795, gnomAD 0.001%). This variant has not been reported in the literature in individuals affected with RECQL4-related conditions. ClinVar contains an entry for this variant (Variation ID: 1018768). Invitae Evidence Modeling of protein sequence and biophysical properties (such as structural, functional, and spatial information, amino acid conservation, physicochemical variation, residue mobility, and thermodynamic stability) indicates that this missense variant is expected to disrupt RECQL4 protein function with a positive predictive value of 80%. In summary, the available evidence is currently insufficient to determine the role of this variant in disease. Therefore, it has been classified as a Variant of Uncertain Significance.

NM_004260.4(RECQL4):c.2360T>C (p.Leu787Pro)

Gene: RECQL4 (RecQ like helicase 4; minus strand). Cytogenetic location: 8q24.3.
Variant type: single nucleotide variant.
Coding change: c.2360T>C on transcript NM_004260.4 (MANE Select); coding-DNA position 2360, T replaced by C.
Protein change: p.Leu787Pro; replaces leucine 787 with proline.
Molecular consequence: missense variant.
Genome position (GRCh38, 1-based): chr8:144,513,321, A>G on the plus strand (T>C on the coding strand, the complement: RECQL4 is on the minus strand). VCF-style: chr8-144513321-A-G. GRCh37 (hg19) VCF-style: chr8-145738704-A-G.
Other names: short protein forms L787P.
Identifiers: ClinVar variation 1018768 (VCV001018768.5), dbSNP rs760041795, ClinGen allele CA4948320.